The following is an entry in ClinVar:

NM_177438.3(DICER1):c.1576G>A (p.Val526Ile)

Gene: DICER1 (dicer 1, ribonuclease III; minus strand). Cytogenetic location: 14q32.13.
Variant type: single nucleotide variant.
Coding change: c.1576G>A on transcript NM_177438.3 (MANE Select); coding-DNA position 1576, G replaced by A.
Protein change: p.Val526Ile; replaces valine 526 with isoleucine.
Molecular consequence: missense variant.
Genome position (GRCh38, 1-based): chr14:95,116,629, C>T on the plus strand (G>A on the coding strand, the complement: DICER1 is on the minus strand). VCF-style: chr14-95116629-C-T. GRCh37 (hg19) VCF-style: chr14-95582966-C-T.
Other names: c.1576G>A, p.Val526Ile (NM_001195573.1, NM_001271282.3, NM_001291628.2 and 1 more transcripts); short protein forms V526I.
Identifiers: ClinVar variation 412187 (VCV000412187.17), dbSNP rs1060503660, ClinGen allele CA16614261.

ClinVar aggregate classification (germline): Conflicting classifications of pathogenicity. Review status: criteria provided, conflicting classifications (1 of 4 stars). 3 submissions from 3 submitters: Uncertain significance (2); Likely benign (1). Last evaluated 2026-06-03.

Conditions:
Hereditary cancer-predisposing syndrome. Also called: Hereditary Cancer Syndrome; Tumor predisposition; Hereditary neoplastic syndrome; Neoplastic Syndromes, Hereditary. Identifiers: Orphanet 140162, MedGen C0027672, MeSH D009386, MONDO:0015356.
DICER1-related tumor predisposition. Also called: DICER1 syndrome; DICER1-related pleuropulmonary blastoma cancer predisposition syndrome. Identifiers: Orphanet 284343, MedGen C3839822, MONDO:0100216.
Global developmental delay - lung cysts - overgrowth - Wilms tumor syndrome. Also called: GLOW Syndrome; GLOBAL DEVELOPMENTAL DELAY, LUNG CYSTS, OVERGROWTH, AND WILMS TUMOR. Identifiers: Orphanet 404476, MedGen C4748924, MONDO:0018445, OMIM 618272.

Allele frequency attached by ClinVar (database versions not stated): gnomAD exomes below 0.00001 and 0.00001; gnomAD 0.00002 and 0.00001; TOPMed 0.00003.
gnomAD v4.1: 17 of 1,613,740 alleles (0.0011%); highest among the groups gnomAD compares: Non-Finnish European, 0.0014%; no homozygotes.

Submissions (3):

Ambry Genetics
Classification: Likely benign for Hereditary cancer-predisposing syndrome. Last evaluated: 2026-06-03. Review status: criteria provided, single submitter. Criteria: Ambry Variant Classification Scheme 2023. Collection method: clinical testing. Allele origin: germline.

Labcorp Genetics (formerly Invitae), Labcorp
Classification: Uncertain significance for DICER1-related tumor predisposition. Last evaluated: 2025-01-30. Review status: criteria provided, single submitter. Criteria: Invitae Variant Classification Sherloc (09022015). Collection method: clinical testing. Allele origin: germline.
Comment: This sequence change replaces valine, which is neutral and non-polar, with isoleucine, which is neutral and non-polar, at codon 526 of the DICER1 protein (p.Val526Ile). This variant is present in population databases (no rsID available, gnomAD 0.0009%). This variant has not been reported in the literature in individuals affected with DICER1-related conditions. ClinVar contains an entry for this variant (Variation ID: 412187). Invitae Evidence Modeling of protein sequence and biophysical properties (such as structural, functional, and spatial information, amino acid conservation, physicochemical variation, residue mobility, and thermodynamic stability) indicates that this missense variant is not expected to disrupt DICER1 protein function with a negative predictive value of 95%. In summary, the available evidence is currently insufficient to determine the role of this variant in disease. Therefore, it has been classified as a Variant of Uncertain Significance.

Baylor Genetics
Classification: Uncertain significance for Global developmental delay - lung cysts - overgrowth - Wilms tumor syndrome. Last evaluated: 2024-03-17. Review status: criteria provided, single submitter. Criteria: ACMG Guidelines, 2015. Collection method: clinical testing. Allele origin: unknown.